The following is an entry in ClinVar:

ClinVar aggregate classification (germline): Uncertain significance (1 of 4 stars; one submission).

Allele frequency attached by ClinVar (database versions not stated): TOPMed 0.00001; gnomAD exomes 0.00003; gnomAD 0.00001.
gnomAD v4.1: 46 of 1,522,888 alleles (0.003%); highest among the groups gnomAD compares: Non-Finnish European, 0.0038%; no homozygotes.

Submission:

Labcorp Genetics (formerly Invitae), Labcorp
Classification: Uncertain significance. Last evaluated: 2024-01-10. Review status: criteria provided, single submitter. Criteria: Invitae Variant Classification Sherloc (09022015). Collection method: clinical testing. Allele origin: germline.
Comment: This sequence change replaces alanine, which is neutral and non-polar, with valine, which is neutral and non-polar, at codon 426 of the SUCLG2 protein (p.Ala426Val). This variant is not present in population databases (gnomAD no frequency). This variant has not been reported in the literature in individuals affected with SUCLG2-related conditions. An algorithm developed to predict the effect of missense changes on protein structure and function (PolyPhen-2) suggests that this variant is likely to be tolerated. In summary, the available evidence is currently insufficient to determine the role of this variant in disease. Therefore, it has been classified as a Variant of Uncertain Significance.

NC_000003.12:g.67360675G>A

Gene: SUCLG2 (succinate-CoA ligase GDP-forming subunit beta; minus strand). Cytogenetic location: 3p14.1.
Variant type: single nucleotide variant.
Molecular consequence: missense variant (on NM_001177599.2).
Genome position: GRCh38 VCF-style: chr3-67360675-G-A. GRCh37 (hg19) VCF-style: chr3-67411099-G-A.
Other names: c.1277C>T, p.Ala426Val (NM_001177599.2); short protein forms A426V.
Identifiers: ClinVar variation 2957150 (VCV002957150.3), dbSNP rs1238768986, ClinGen allele CA353552084.